The following is an entry in ClinVar:

NM_000548.5(TSC2):c.2372G>A (p.Cys791Tyr)

Gene: TSC2 (TSC complex subunit 2; plus strand). Cytogenetic location: 16p13.3.
Variant type: single nucleotide variant.
Coding change: c.2372G>A on transcript NM_000548.5 (MANE Select); coding-DNA position 2372, G replaced by A.
Protein change: p.Cys791Tyr; replaces cysteine 791 with tyrosine.
Molecular consequence: missense variant.
Genome position (GRCh38, 1-based): chr16:2,074,216, G>A. VCF-style: chr16-2074216-G-A. GRCh37 (hg19) VCF-style: chr16-2124217-G-A.
Other names: c.2372G>A, p.Cys791Tyr (NM_001077183.3, NM_001114382.3, NM_001363528.2 and 6 more transcripts); c.2261G>A, p.Cys754Tyr (NM_001318827.2, NM_001406678.1, NM_001406670.1); c.2225G>A, p.Cys742Tyr (NM_001318829.2, NM_001406679.1, NM_001406675.1 and 1 more transcripts); c.1772G>A, p.Cys591Tyr (NM_001318831.2, NM_001406680.1, NM_001406682.1 and 6 more transcripts); c.2405G>A, p.Cys802Tyr (NM_001318832.2); c.2315G>A, p.Cys772Tyr (NM_001406677.1); c.1910G>A, p.Cys637Tyr (NM_001406681.1); c.1028G>A, p.Cys343Tyr (NM_001406696.1, NM_001406697.1, NM_001406689.1 and 6 more transcripts); and 3 more; short protein forms C754Y, C772Y, C257Y, C343Y, C742Y, C591Y, C637Y, C791Y.
Identifiers: ClinVar variation 2012047 (VCV002012047.4), dbSNP rs758961134, ClinGen allele CA394276999.

ClinVar aggregate classification (germline): Uncertain significance (1 of 4 stars; one submission).

Conditions:
Tuberous sclerosis 2 (TSC2). Identifiers: Orphanet 805, MedGen C1860707, MONDO:0013199, OMIM 613254.

Submission:

Labcorp Genetics (formerly Invitae), Labcorp
Classification: Uncertain significance for Tuberous sclerosis 2. Last evaluated: 2024-03-21. Review status: criteria provided, single submitter. Criteria: Invitae Variant Classification Sherloc (09022015). Collection method: clinical testing. Allele origin: germline.
Comment: This sequence change replaces cysteine, which is neutral and slightly polar, with tyrosine, which is neutral and polar, at codon 791 of the TSC2 protein (p.Cys791Tyr). This variant is not present in population databases (gnomAD no frequency). This variant has not been reported in the literature in individuals affected with TSC2-related conditions. ClinVar contains an entry for this variant (Variation ID: 2012047). Advanced modeling of protein sequence and biophysical properties (such as structural, functional, and spatial information, amino acid conservation, physicochemical variation, residue mobility, and thermodynamic stability) performed at Invitae indicates that this missense variant is not expected to disrupt TSC2 protein function with a negative predictive value of 95%. In summary, the available evidence is currently insufficient to determine the role of this variant in disease. Therefore, it has been classified as a Variant of Uncertain Significance.